The following is an entry in ClinVar:

NM_207346.3(TSEN54):c.521G>A (p.Ser174Asn)

Gene: TSEN54 (tRNA splicing endonuclease subunit 54; plus strand). Cytogenetic location: 17q25.1.
Variant type: single nucleotide variant.
Coding change: c.521G>A on transcript NM_207346.3 (MANE Select); coding-DNA position 521, G replaced by A.
Protein change: p.Ser174Asn; replaces serine 174 with asparagine.
Molecular consequence: missense variant.
Genome position (GRCh38, 1-based): chr17:75,519,047, G>A. VCF-style: chr17-75519047-G-A. GRCh37 (hg19) VCF-style: chr17-73515128-G-A.
Other names: short protein forms S174N.
Identifiers: ClinVar variation 372660 (VCV000372660.4), dbSNP rs1057517911, ClinGen allele CA16043008.
Genomic context (GRCh38, chr17:75,519,047, plus strand): 5'-CTTTTGAGGTCTTCAGCCACCTGAAGAGGTTGGGTTATGTGGTTCGACGATTCCAACCAA[G>A]GTAAATCCCCTTCCTGTTCCCCTTCCATATATTCTAGTCCTGGGACCTGGCTGACTAGTC-3'
Protein context (NP_997229.2, residues 164-184): LGYVVRRFQP[Ser174Asn]SVLSPYERQL

ClinVar aggregate classification (germline): Likely pathogenic (1 of 4 stars; one submission).

Submission:

GeneDx
Classification: Likely pathogenic. Last evaluated: 2022-11-08. Review status: criteria provided, single submitter. Criteria: GeneDx Variant Classification Process June 2021. Collection method: clinical testing. Allele origin: germline. Affected: yes.
Comment: Not observed at significant frequency in large population cohorts (gnomAD); In silico analysis supports a deleterious effect on splicing; In silico analysis, which includes protein predictors and evolutionary conservation, supports that this variant does not alter protein structure/function; Has not been previously published as pathogenic or benign to our knowledge